The following is an entry in ClinVar:

ClinVar aggregate classification (germline): Uncertain significance (1 of 4 stars; one submission).

Conditions:
Multiple gastrointestinal atresias. Also called: FAMILIAL INTESTINAL POLYATRESIA SYNDROME; Multiple intestinal atresia. Identifiers: Orphanet 2300, MedGen C0220744, MONDO:0009465.

Submission:

Labcorp Genetics (formerly Invitae), Labcorp
Classification: Uncertain significance for Multiple gastrointestinal atresias. Last evaluated: 2022-06-09. Review status: criteria provided, single submitter. Criteria: Invitae Variant Classification Sherloc (09022015). Collection method: clinical testing. Allele origin: germline.
Comment: In summary, the available evidence is currently insufficient to determine the role of this variant in disease. Therefore, it has been classified as a Variant of Uncertain Significance. Algorithms developed to predict the effect of missense changes on protein structure and function (SIFT, PolyPhen-2, Align-GVGD) all suggest that this variant is likely to be tolerated. This variant has not been reported in the literature in individuals affected with TTC7A-related conditions. This variant is not present in population databases (gnomAD no frequency). This sequence change replaces glycine, which is neutral and non-polar, with arginine, which is basic and polar, at codon 46 of the TTC7A protein (p.Gly46Arg).

NM_020458.4(TTC7A):c.136G>C (p.Gly46Arg)

Genes: MCFD2 (multiple coagulation factor deficiency 2, ER cargo receptor complex subunit; minus strand), TTC7A (tetratricopeptide repeat domain 7A; plus strand). Cytogenetic location: 2p21.
Variant type: single nucleotide variant.
Coding change: c.136G>C on transcript NM_020458.4 (MANE Select); coding-DNA position 136, G replaced by C.
Protein change: p.Gly46Arg; replaces glycine 46 with arginine.
Molecular consequence: missense variant. On other transcripts: 5 prime UTR variant (3), intron variant (1).
Genome position (GRCh38, 1-based): chr2:46,941,677, G>C. VCF-style: chr2-46941677-G-C. GRCh37 (hg19) VCF-style: chr2-47168816-G-C.
Other names: c.136G>C, p.Gly46Arg (NM_001288951.2); c.-769G>C (NM_001288955.2); c.-112C>G (NM_001171508.2); c.-14C>G (NM_001171511.3); c.83-8686G>C (NM_001288953.2); short protein forms G46R.
Identifiers: ClinVar variation 2003902 (VCV002003902.4), dbSNP rs1305430049, ClinGen allele CA346715805.